The following is an entry in ClinVar:

NM_005633.4(SOS1):c.1293_1294delinsGA (p.Trp432Arg)

Gene: SOS1 (SOS Ras/Rac guanine nucleotide exchange factor 1; minus strand). Cytogenetic location: 2p22.1.
Variant type: Indel.
Coding change: c.1293_1294delinsGA on transcript NM_005633.4 (MANE Select); coding-DNA positions 1293 to 1294, TT replaced by GA.
Protein change: p.Trp432Arg; replaces tryptophan 432 with arginine.
Molecular consequence: missense variant.
Genome position (GRCh38, 1-based): chr2:39,023,134-39,023,135, AA replaced by TC on the plus strand (TT replaced by GA on the coding strand, the reverse complement: SOS1 is on the minus strand). VCF-style: chr2-39023134-AA-TC. GRCh37 (hg19) VCF-style: chr2-39250275-AA-TC.
Other names: c.1272_1273delinsGA, p.Trp425Arg (NM_001382394.1); c.1293_1294delinsGA, p.Trp432Arg (NM_001382395.1); short protein forms W432R, W425R.
Identifiers: ClinVar variation 667413 (VCV000667413.6), dbSNP rs1572830693, ClinGen allele CA915943756.

ClinVar aggregate classification (germline): Likely pathogenic (1 of 4 stars; one submission).

Conditions:
Noonan syndrome (NS). Also called: Noonan's syndrome. Identifiers: Orphanet 648, MedGen C0028326, MeSH D009634, MONDO:0018997. Disease mechanism: gain of function.

Submission:

Laboratory for Molecular Medicine, Mass General Brigham Personalized Medicine
Classification: Likely pathogenic for Noonan syndrome. Last evaluated: 2021-11-01. Review status: criteria provided, single submitter. Criteria: ACMG Guidelines, 2015. Collection method: clinical testing. Allele origin: germline. Inheritance: Autosomal dominant inheritance.
Comment: proposed classification - variant undergoing re-assessment, contact laboratory